The following is an entry in ClinVar:

ClinVar aggregate classification (germline): Uncertain significance (1 of 4 stars; one submission).

Conditions:
Cardiomyopathy (CMYO). Also called: Cardiomyopathies. Identifiers: Orphanet 167848, MedGen C0878544, MONDO:0004994, HP:0001638. Inheritance: Various modes of inheritance.

Submission:

Color Diagnostics, LLC DBA Color Health
Classification: Uncertain significance for Cardiomyopathy. Last evaluated: 2025-09-11. Review status: criteria provided, single submitter. Criteria: ACMG Guidelines, 2015. Collection method: clinical testing. Allele origin: germline.
Comment: This missense variant replaces valine with methionine at codon 4527 of the RYR2 protein. Computational prediction suggests that this variant may not impact protein structure and function. To our knowledge, functional studies have not been reported for this variant. This variant has not been reported in individuals affected with RYR2-related disorders in the literature. This variant has not been identified in the general population by the Genome Aggregation Database (gnomAD). The available evidence is insufficient to determine the role of this variant in disease conclusively. Therefore, this variant is classified as a Variant of Uncertain Significance.

NM_001035.3(RYR2):c.13578_13579delinsAA (p.Val4527Met)

Gene: RYR2 (ryanodine receptor 2; plus strand). Cytogenetic location: 1q43.
Variant type: Indel.
Coding change: c.13578_13579delinsAA on transcript NM_001035.3 (MANE Select); coding-DNA positions 13578 to 13579, TG replaced by AA.
Protein change: p.Val4527Met; replaces valine 4527 with methionine.
Molecular consequence: missense variant.
Genome position (GRCh38, 1-based): chr1:237,792,119-237,792,120, TG replaced by AA. VCF-style: chr1-237792119-TG-AA. GRCh37 (hg19) VCF-style: chr1-237955419-TG-AA.
Other names: short protein forms V4527M.
Identifiers: ClinVar variation 4756553 (VCV004756553.1).